The following is an entry in ClinVar:

ClinVar aggregate classification (germline): Uncertain significance. Review status: criteria provided, multiple submitters, no conflicts (2 of 4 stars). 3 submissions from 3 submitters: Uncertain significance (2). 1 of the submissions does not count toward it. Last evaluated 2025-06-05.

Conditions:
DNAH8-related disorder. Also called: DNAH8-related condition.
Primary ciliary dyskinesia. Also called: Ciliary dyskinesia. Identifiers: Orphanet 244, MedGen C0008780, MONDO:0016575, HP:0012265.

Allele frequency attached by ClinVar (database versions not stated): ExAC 0.00007; ESP Exome Variant Server 0.00015; gnomAD 0.00017 and 0.00020; TOPMed 0.00022.
gnomAD v4.1: 49 of 1,612,872 alleles (0.003%); highest among the groups gnomAD compares: African/African-American, 0.055%; no homozygotes.

Submissions (3):

Labcorp Genetics (formerly Invitae), Labcorp
Classification: Uncertain significance for Primary ciliary dyskinesia. Last evaluated: 2025-06-05. Review status: criteria provided, single submitter. Criteria: Invitae Variant Classification Sherloc (09022015). Collection method: clinical testing. Allele origin: germline.
Comment: This sequence change replaces glutamic acid, which is acidic and polar, with aspartic acid, which is acidic and polar, at codon 3955 of the DNAH8 protein (p.Glu3955Asp). This variant is present in population databases (rs377043320, gnomAD 0.08%). This variant has not been reported in the literature in individuals affected with DNAH8-related conditions. ClinVar contains an entry for this variant (Variation ID: 1391224). Experimental studies and prediction algorithms are not available or were not evaluated, and the functional significance of this variant is currently unknown. In summary, the available evidence is currently insufficient to determine the role of this variant in disease. Therefore, it has been classified as a Variant of Uncertain Significance.

Ambry Genetics
Classification: Uncertain significance. Last evaluated: 2024-08-11. Review status: criteria provided, single submitter. Criteria: Ambry Variant Classification Scheme 2023. Collection method: clinical testing. Allele origin: germline.

PreventionGenetics, part of Exact Sciences
Classification: Uncertain significance for DNAH8-related condition. Last evaluated: 2024-07-24. Review status: no assertion criteria provided. Collection method: clinical testing. Allele origin: germline. Not counted in ClinVar's aggregate classification.
Comment: The DNAH8 c.11865G>T variant is predicted to result in the amino acid substitution p.Glu3955Asp. To our knowledge, this variant has not been reported in the literature. This variant is reported in 0.076% of alleles in individuals of African descent in gnomAD. Although we suspect that this variant may be benign, at this time, the clinical significance of this variant is uncertain due to the absence of conclusive functional and genetic evidence.

NM_001206927.2(DNAH8):c.11865G>T (p.Glu3955Asp)

Genes: DNAH8-AS1 (DNAH8 antisense RNA 1; minus strand), DNAH8 (dynein axonemal heavy chain 8; plus strand). Cytogenetic location: 6p21.2.
Variant type: single nucleotide variant.
Coding change: c.11865G>T on transcript NM_001206927.2 (MANE Select); coding-DNA position 11865, G replaced by T.
Protein change: p.Glu3955Asp; replaces glutamic acid 3955 with aspartic acid.
Molecular consequence: missense variant.
Genome position (GRCh38, 1-based): chr6:38,938,846, G>T. VCF-style: chr6-38938846-G-T. GRCh37 (hg19) VCF-style: chr6-38906622-G-T.
Other names: c.11214G>T, p.Glu3738Asp (NM_001371.4); c.11865G>T (NM_001206927.1); short protein forms E3738D, E3955D.
Identifiers: ClinVar variation 1391224 (VCV001391224.12), dbSNP rs377043320, ClinGen allele CA3791207.
Genomic context (GRCh38, chr6:38,938,846, plus strand): 5'-AATGTGTTTCAGATCTGAAAAGTCACCACTACCTCAAAAGAGAATTACAAATATTATCGA[G>T]TACCTGACATATGAAGTTTTTACATACTCTGTCAGAGGCCTATACGAAAACCACAAATTC-3'
Protein context (NP_001193856.1, residues 3945-3965): LPQKRITNII[Glu3955Asp]YLTYEVFTYS